The following is an entry in ClinVar:

ClinVar aggregate classification (germline): Conflicting classifications of pathogenicity. Review status: criteria provided, conflicting classifications (1 of 4 stars). 6 submissions from 5 submitters: Uncertain significance (1); Likely benign (5). Last evaluated 2025-12-23.

Conditions:
Hereditary cancer-predisposing syndrome. Also called: Hereditary Cancer Syndrome; Neoplastic Syndromes, Hereditary; Tumor predisposition; Hereditary neoplastic syndrome. Identifiers: Orphanet 140162, MedGen C0027672, MeSH D009386, MONDO:0015356.
Cardiovascular phenotype. Identifiers: MedGen CN230736.
Neurofibromatosis, type 1 (NF1). Also called: NEUROFIBROMATOSIS, TYPE I, SOMATIC; VON RECKLINGHAUSEN DISEASE; Peripheral type neurofibromatosis; Neurofibromatosis, type I. Identifiers: Orphanet 636, MedGen C0027831, MONDO:0018975, OMIM 162200. Disease mechanism: loss of function.

Allele frequency attached by ClinVar (database versions not stated): TOPMed below 0.00001; ExAC 0.00001; gnomAD exomes 0.00001; ESP Exome Variant Server 0.00008.
gnomAD v4.1: 8 of 1,613,094 alleles (0.0005%); highest among the groups gnomAD compares: Non-Finnish European, 0.00068%; no homozygotes.

Submissions (6):

Labcorp Genetics (formerly Invitae), Labcorp
Classification: Likely benign for Neurofibromatosis, type 1. Last evaluated: 2025-12-23. Review status: criteria provided, single submitter. Criteria: Invitae Variant Classification Sherloc (09022015). Collection method: clinical testing. Allele origin: germline.

Center for Genomic Medicine, Rigshospitalet, Copenhagen University Hospital
Classification: Likely benign. Last evaluated: 2025-03-04. Review status: criteria provided, single submitter. Criteria: ACMG Guidelines, 2015. Collection method: clinical testing. Allele origin: germline.

Quest Diagnostics Nichols Institute San Juan Capistrano
Classification: Uncertain significance. Last evaluated: 2024-02-13. Review status: criteria provided, single submitter. Criteria: Quest Diagnostics criteria. Collection method: clinical testing. Allele origin: unknown.

Ambry Genetics
Classification: Likely benign for Cardiovascular phenotype; Hereditary cancer-predisposing syndrome. Last evaluated: 2020-03-16. Review status: criteria provided, single submitter. Criteria: Ambry Variant Classification Scheme 2023. Collection method: clinical testing. Allele origin: germline.

GeneDx
Classification: Likely benign. Last evaluated: 2018-04-26. Review status: criteria provided, single submitter. Criteria: GeneDx Variant Classification (06012015). Collection method: clinical testing. Allele origin: germline. Affected: yes.
Comment: This variant is considered likely benign or benign based on one or more of the following criteria: it is a conservative change, it occurs at a poorly conserved position in the protein, it is predicted to be benign by multiple in silico algorithms, and/or has population frequency not consistent with disease.

Ambry Genetics
Classification: Likely benign for Hereditary cancer-predisposing syndrome. Last evaluated: 2016-02-24. Review status: criteria provided, single submitter. Criteria: Ambry Autosomal Dominant and X-Linked criteria (10/2015). Collection method: clinical testing. Allele origin: germline. Observed: 1 variant allele.
Comment: In silico models in agreement (benign);Insufficient or conflicting evidence

NM_001042492.3(NF1):c.6704+3A>G

Gene: NF1 (neurofibromin 1; plus strand). Cytogenetic location: 17q11.2.
Variant type: single nucleotide variant.
Coding change: c.6704+3A>G on transcript NM_001042492.3 (MANE Select); 3 bases into the intron after coding-DNA position 6704, A replaced by G.
Molecular consequence: intron variant.
Genome position (GRCh38, 1-based): chr17:31,337,883, A>G. VCF-style: chr17-31337883-A-G. GRCh37 (hg19) VCF-style: chr17-29664901-A-G.
Other names: c.6641+3A>G (NM_000267.4).
Identifiers: ClinVar variation 185805 (VCV000185805.17), dbSNP rs375560135, ClinGen allele CA193002.